The following is an entry in ClinVar:

NM_005751.5(AKAP9):c.9112C>T (p.Arg3038Cys)

Gene: AKAP9 (A-kinase anchoring protein 9; plus strand). Cytogenetic location: 7q21.2.
Variant type: single nucleotide variant.
Coding change: c.9112C>T on transcript NM_005751.5 (MANE Select); coding-DNA position 9112, C replaced by T.
Protein change: p.Arg3038Cys; replaces arginine 3038 with cysteine.
Molecular consequence: missense variant.
Genome position (GRCh38, 1-based): chr7:92,086,315, C>T. VCF-style: chr7-92086315-C-T. GRCh37 (hg19) VCF-style: chr7-91715629-C-T.
Other names: c.3757C>T, p.Arg1253Cys (NM_001379277.1); c.9088C>T, p.Arg3030Cys (NM_147185.3); short protein forms R3038C, R3030C, R1253C.
Identifiers: ClinVar variation 222490 (VCV000222490.10), dbSNP rs753467156, ClinGen allele CA354841.

ClinVar aggregate classification (germline): Conflicting classifications of pathogenicity. Review status: criteria provided, conflicting classifications (1 of 4 stars). 3 submissions from 3 submitters: Uncertain significance (2); Likely benign (1). Last evaluated 2024-12-28.

Conditions:
Long QT syndrome (LQTS). Identifiers: MedGen C0023976, MeSH D008133, MONDO:0002442. Disease mechanism: loss of function. Inheritance: Various modes of inheritance.
Cardiovascular phenotype. Identifiers: MedGen CN230736.

Allele frequency attached by ClinVar (database versions not stated): TOPMed 0.00001; ExAC 0.00002; gnomAD exomes 0.00002.
gnomAD v4.1: 32 of 1,614,032 alleles (0.002%); highest among the groups gnomAD compares: East Asian, 0.0045%; no homozygotes.

Submissions (3):

Ambry Genetics
Classification: Likely benign for Cardiovascular phenotype. Last evaluated: 2024-12-28. Review status: criteria provided, single submitter. Criteria: Ambry Variant Classification Scheme 2023. Collection method: clinical testing. Allele origin: germline.

Blueprint Genetics
Classification: Uncertain significance. Last evaluated: 2023-11-27. Review status: criteria provided, single submitter. Criteria: ACMG Guidelines, 2015. Collection method: clinical testing. Allele origin: germline.

Labcorp Genetics (formerly Invitae), Labcorp
Classification: Uncertain significance for Long QT syndrome. Last evaluated: 2022-03-18. Review status: criteria provided, single submitter. Criteria: Invitae Variant Classification Sherloc (09022015). Collection method: clinical testing. Allele origin: germline.
Comment: Algorithms developed to predict the effect of missense changes on protein structure and function are either unavailable or do not agree on the potential impact of this missense change (SIFT: "Deleterious"; PolyPhen-2: "Benign"; Align-GVGD: "Class C0"). This sequence change replaces arginine, which is basic and polar, with cysteine, which is neutral and slightly polar, at codon 3038 of the AKAP9 protein (p.Arg3038Cys). This variant is present in population databases (rs753467156, gnomAD 0.01%). This variant has not been reported in the literature in individuals affected with AKAP9-related conditions. ClinVar contains an entry for this variant (Variation ID: 222490). In summary, the available evidence is currently insufficient to determine the role of this variant in disease. Therefore, it has been classified as a Variant of Uncertain Significance.